The following is an entry in ClinVar:

ClinVar aggregate classification (germline): Conflicting classifications of pathogenicity. Review status: criteria provided, conflicting classifications (1 of 4 stars). 9 submissions from 9 submitters: Pathogenic (1); Likely pathogenic (1); Uncertain significance (7). Last evaluated 2026-01-19.

Conditions:
Muscular dystrophy-dystroglycanopathy (congenital with brain and eye anomalies), type A2. Also called: WALKER-WARBURG SYNDROME OR MUSCLE-EYE-BRAIN DISEASE, POMT2-RELATED; MUSCULAR DYSTROPHY-DYSTROGLYCANOPATHY (CONGENITAL WITH BRAIN AND EYE ANOMALIES), TYPE A, 2. Identifiers: Orphanet 588, Orphanet 899, MedGen C3150411, MONDO:0013154, OMIM 613150.
Muscular dystrophy-dystroglycanopathy (congenital with impaired intellectual development), type B, 2. Also called: Muscular dystrophy-dystroglycanopathy (congenital with intellectual disability), type B2; MUSCULAR DYSTROPHY, CONGENITAL, POMT2-RELATED. Identifiers: MedGen C3150416, MONDO:0013160, OMIM 613156.
Autosomal recessive limb-girdle muscular dystrophy type 2N. Also called: MUSCULAR DYSTROPHY-DYSTROGLYCANOPATHY, LIMB-GIRDLE, POMT2-RELATED; Muscular dystrophy-dystroglycanopathy (limb-girdle), type C, 2. Identifiers: Orphanet 206559, MedGen C3150418, MONDO:0013162, OMIM 613158.
Muscular dystrophy-dystroglycanopathy (congenital with brain and eye anomalies), type A1 (MDDGA1). Also called: Muscular dystrophy-dystroglycanopathy (congenital with brain and eye anomalies), type A, 1; WALKER-WARBURG SYNDROME OR MUSCLE-EYE-BRAIN DISEASE, POMT1-RELATED; Hydrocephalus, agyria and retinal dysplasia; Hard +/- E syndrome; Warburg syndrome; Chemke syndrome. Identifiers: Orphanet 588, Orphanet 899, MedGen C4284790, MONDO:0009364, OMIM 236670.

Allele frequency attached by ClinVar (database versions not stated): gnomAD 0.00001; TOPMed 0.00001; gnomAD exomes 0.00002 and 0.00001.
gnomAD v4.1: 35 of 1,613,830 alleles (0.0022%); highest among the groups gnomAD compares: Non-Finnish European, 0.0025%; no homozygotes.

Submissions (9):

Labcorp Genetics (formerly Invitae), Labcorp
Classification: Pathogenic for Muscular dystrophy-dystroglycanopathy (congenital with impaired intellectual development), type B, 2; Muscular dystrophy-dystroglycanopathy (congenital with brain and eye anomalies), type A2; Autosomal recessive limb-girdle muscular dystrophy type 2N. Last evaluated: 2026-01-19. Review status: criteria provided, single submitter. Criteria: Invitae Variant Classification Sherloc (09022015). Collection method: clinical testing. Allele origin: germline.
Comment: This sequence change replaces arginine, which is basic and polar, with cysteine, which is neutral and slightly polar, at codon 99 of the POMT2 protein (p.Arg99Cys). This variant is present in population databases (rs199719668, gnomAD 0.003%). This missense change has been observed in individual(s) with clinical features of POMT2-related conditions (PMID: 29382405, 34413876, 37217505, 40102912; internal data). In at least one individual the data is consistent with being in trans (on the opposite chromosome) from a pathogenic variant. ClinVar contains an entry for this variant (Variation ID: 285067). Invitae Evidence Modeling of protein sequence and biophysical properties (such as structural, functional, and spatial information, amino acid conservation, physicochemical variation, residue mobility, and thermodynamic stability) has been performed for this missense variant. However, the output from this modeling did not meet the statistical confidence thresholds required to predict the impact of this variant on POMT2 protein function. For these reasons, this variant has been classified as Pathogenic.

Baylor Genetics
Classification: Likely pathogenic for Muscular dystrophy-dystroglycanopathy (congenital with brain and eye anomalies), type A2. Last evaluated: 2024-03-20. Review status: criteria provided, single submitter. Criteria: ACMG Guidelines, 2015. Collection method: clinical testing. Allele origin: unknown.

Revvity Omics, Revvity
Classification: Uncertain significance. Last evaluated: 2023-02-22. Review status: criteria provided, single submitter. Criteria: ACMG Guidelines, 2015. Collection method: clinical testing. Allele origin: germline.

Department of Pathology and Laboratory Medicine, Sinai Health System
Classification: Uncertain significance for Autosomal recessive limb-girdle muscular dystrophy type 2N; Muscular dystrophy-dystroglycanopathy (congenital with impaired intellectual development), type B, 2; Muscular dystrophy-dystroglycanopathy (congenital with brain and eye anomalies), type A1; Muscular dystrophy-dystroglycanopathy (congenital with brain and eye anomalies), type A2. Last evaluated: 2022-12-14. Review status: criteria provided, single submitter. Criteria: ACMG Guidelines, 2015. Collection method: research. Allele origin: germline.

MGZ Medical Genetics Center
Classification: Uncertain significance for Autosomal recessive limb-girdle muscular dystrophy type 2N. Last evaluated: 2022-05-04. Review status: criteria provided, single submitter. Criteria: ACMG Guidelines, 2015. Collection method: clinical testing. Allele origin: germline. Affected: yes. Observed: 1 variant allele.
Comment: ACMG criteria applied: PM2_SUP, PP3

Fulgent Genetics
Classification: Uncertain significance for Muscular dystrophy-dystroglycanopathy (congenital with brain and eye anomalies), type A1; Muscular dystrophy-dystroglycanopathy (congenital with brain and eye anomalies), type A2; Muscular dystrophy-dystroglycanopathy (congenital with impaired intellectual development), type B, 2; Autosomal recessive limb-girdle muscular dystrophy type 2N. Last evaluated: 2021-12-08. Review status: criteria provided, single submitter. Criteria: ACMG Guidelines, 2015. Collection method: clinical testing. Allele origin: unknown.

Women's Health and Genetics/Laboratory Corporation of America, LabCorp
Classification: Uncertain significance. Last evaluated: 2021-10-27. Review status: criteria provided, single submitter. Criteria: LabCorp Variant Classification Summary - May 2015. Collection method: clinical testing. Allele origin: germline.
Comment: Variant summary: POMT2 c.295C>T (p.Arg99Cys) results in a non-conservative amino acid change located in the Glycosyl transferase family 39/83 domain (IPR003342) of the encoded protein sequence. Five of five in-silico tools predict a damaging effect of the variant on protein function. The variant allele was found at a frequency of 8e-06 in 251346 control chromosomes (gnomAD). The available data on variant occurrences in the general population are insufficient to allow any conclusion about variant significance. c.295C>T has been reported in the literature in one individual who was screened with an NGS panel of muscular dystrophy-associated genes and affected with muscle weakness (Wu_2018) and one individual affected with limb-girdle muscular dystrophy (Chen_2021). These data indicate that the variant may be associated with disease. To our knowledge, no experimental evidence demonstrating an impact on protein function has been reported. Three ClinVar submitters (evaluation after 2014) cite the variant as uncertain significance. Based on the evidence outlined above, the variant was classified as VUS-possibly pathogenic.

CeGaT Center for Human Genetics Tuebingen
Classification: Uncertain significance. Last evaluated: 2019-05-01. Review status: criteria provided, single submitter. Criteria: CeGaT Center For Human Genetics Tuebingen Variant Classification Criteria Version 2. Collection method: clinical testing. Allele origin: germline. Affected: yes. Observed: 3 variant alleles.

Eurofins Ntd Llc (ga)
Classification: Uncertain significance. Last evaluated: 2015-11-30. Review status: criteria provided, single submitter. Criteria: EGL Classification Definitions 2015. Collection method: clinical testing. Allele origin: germline. Observed: 2 variant alleles, 2 heterozygotes.

Literature cited by the submitters: PubMed 29382405 (cited by Labcorp Genetics (formerly Invitae), Labcorp and Women's Health and Genetics/Laboratory Corporation of America, LabCorp); PubMed 34413876 (cited by Labcorp Genetics (formerly Invitae), Labcorp and Women's Health and Genetics/Laboratory Corporation of America, LabCorp); PubMed 37217505 (cited by Labcorp Genetics (formerly Invitae), Labcorp); PubMed 40102912 (cited by Labcorp Genetics (formerly Invitae), Labcorp).

NM_013382.7(POMT2):c.295C>T (p.Arg99Cys)

Gene: POMT2 (protein O-mannosyltransferase 2; minus strand). Cytogenetic location: 14q24.3.
Variant type: single nucleotide variant.
Coding change: c.295C>T on transcript NM_013382.7 (MANE Select); coding-DNA position 295, C replaced by T.
Protein change: p.Arg99Cys; replaces arginine 99 with cysteine.
Molecular consequence: missense variant.
Genome position (GRCh38, 1-based): chr14:77,311,987, G>A on the plus strand (C>T on the coding strand, the complement: POMT2 is on the minus strand). VCF-style: chr14-77311987-G-A. GRCh37 (hg19) VCF-style: chr14-77778330-G-A.
Other names: short protein forms R99C.
Identifiers: ClinVar variation 285067 (VCV000285067.58), dbSNP rs199719668, ClinGen allele CA10604988.
Genomic context (GRCh38, chr14:77,311,987, plus strand): 5'-TGCTATTCACCACACTGCTCACCTTTCCCAGGGGCGGGTGCACATCAAAGAAAAATGTAC[G>A]GTTGATATAGTAACTTCCCATTTTTCCAAAGTGAGTCTCATCCCAACTAAAGGAAACACA-3'
Protein context (NP_037514.2, residues 89-109): FGKMGSYYIN[Arg99Cys]TFFFDVHPPL